The following is an entry in ClinVar:

ClinVar aggregate classification (germline): Uncertain significance (1 of 4 stars; one submission).

Conditions:
Familial focal epilepsy with variable foci (FPEVF). Identifiers: Orphanet 98820, MedGen C1858477, MONDO:0020310.

Submission:

Labcorp Genetics (formerly Invitae), Labcorp
Classification: Uncertain significance for Familial focal epilepsy with variable foci. Last evaluated: 2020-12-20. Review status: criteria provided, single submitter. Criteria: Invitae Variant Classification Sherloc (09022015). Collection method: clinical testing. Allele origin: germline.
Comment: In summary, the available evidence is currently insufficient to determine the role of this variant in disease. Therefore, it has been classified as a Variant of Uncertain Significance. Algorithms developed to predict the effect of missense changes on protein structure and function are either unavailable or do not agree on the potential impact of this missense change (SIFT: "Tolerated"; PolyPhen-2: "Not Available"; Align-GVGD: "Class C0"). This variant has not been reported in the literature in individuals with DEPDC5-related conditions. This variant is not present in population databases (ExAC no frequency). This sequence change replaces glutamine with lysine at codon 820 of the DEPDC5 protein (p.Gln820Lys). The glutamine residue is moderately conserved and there is a small physicochemical difference between glutamine and lysine.

NM_001242896.3(DEPDC5):c.2458C>A (p.Gln820Lys)

Gene: DEPDC5 (DEP domain containing 5, GATOR1 subcomplex subunit; plus strand). Cytogenetic location: 22q12.3.
Variant type: single nucleotide variant.
Coding change: c.2458C>A on transcript NM_001242896.3 (MANE Select); coding-DNA position 2458, C replaced by A.
Protein change: p.Gln820Lys; replaces glutamine 820 with lysine.
Molecular consequence: missense variant. On other transcripts: non-coding transcript variant (5).
Genome position (GRCh38, 1-based): chr22:31,838,788, C>A. VCF-style: chr22-31838788-C-A. GRCh37 (hg19) VCF-style: chr22-32234774-C-A.
Other names: c.2431C>A, p.Gln811Lys (NM_001136029.4, NM_001369903.1, NM_014662.6); c.2224C>A, p.Gln742Lys (NM_001242897.2, NM_001363854.2, NM_001364319.2); c.2458C>A, p.Gln820Lys (NM_001363852.2, NM_001364318.2, NM_001364320.2); c.2374C>A, p.Gln792Lys (NM_001369901.1, NM_001369902.1); short protein forms Q742K, Q792K, Q811K, Q820K.
Identifiers: ClinVar variation 1480157 (VCV001480157.8), dbSNP rs2148968487, ClinGen allele CA411287588.